The following is an entry in ClinVar:

ClinVar aggregate classification (germline): Uncertain significance (1 of 4 stars; one submission).

Conditions:
Developmental and epileptic encephalopathy, 30 (DEE30). Also called: Epileptic encephalopathy, early infantile, 30. Identifiers: MedGen C4225360, MONDO:0014595, OMIM 616341.

Submission:

Labcorp Genetics (formerly Invitae), Labcorp
Classification: Uncertain significance for Developmental and epileptic encephalopathy, 30. Last evaluated: 2022-11-01. Review status: criteria provided, single submitter. Criteria: Invitae Variant Classification Sherloc (09022015). Collection method: clinical testing. Allele origin: germline.
Comment: In summary, the available evidence is currently insufficient to determine the role of this variant in disease. Therefore, it has been classified as a Variant of Uncertain Significance. Advanced modeling of protein sequence and biophysical properties (such as structural, functional, and spatial information, amino acid conservation, physicochemical variation, residue mobility, and thermodynamic stability) performed at Invitae indicates that this missense variant is not expected to disrupt SIK1 protein function. ClinVar contains an entry for this variant (Variation ID: 578393). This variant has not been reported in the literature in individuals affected with SIK1-related conditions. This variant is not present in population databases (gnomAD no frequency). This sequence change replaces proline, which is neutral and non-polar, with serine, which is neutral and polar, at codon 465 of the SIK1 protein (p.Pro465Ser).

NM_173354.5(SIK1):c.1393C>T (p.Pro465Ser)

Gene: SIK1 (salt inducible kinase 1; minus strand). Cytogenetic location: 21q22.3.
Variant type: single nucleotide variant.
Coding change: c.1393C>T on transcript NM_173354.5 (MANE Select); coding-DNA position 1393, C replaced by T.
Protein change: p.Pro465Ser; replaces proline 465 with serine.
Molecular consequence: missense variant.
Genome position (GRCh38, 1-based): chr21:43,419,090, G>A on the plus strand (C>T on the coding strand, the complement: SIK1 is on the minus strand). VCF-style: chr21-43419090-G-A. GRCh37 (hg19) VCF-style: chr21-44838970-G-A.
Other names: short protein forms P465S.
Identifiers: ClinVar variation 578393 (VCV000578393.9), dbSNP rs1569015116, ClinGen allele CA410608094.